The following is an entry in ClinVar:

NM_006514.4(SCN10A):c.4232A>C (p.Asn1411Thr)

Gene: SCN10A (sodium voltage-gated channel alpha subunit 10; minus strand). Cytogenetic location: 3p22.2.
Variant type: single nucleotide variant.
Coding change: c.4232A>C on transcript NM_006514.4 (MANE Select); coding-DNA position 4232, A replaced by C.
Protein change: p.Asn1411Thr; replaces asparagine 1411 with threonine.
Molecular consequence: missense variant.
Genome position (GRCh38, 1-based): chr3:38,709,527, T>G on the plus strand (A>C on the coding strand, the complement: SCN10A is on the minus strand). VCF-style: chr3-38709527-T-G. GRCh37 (hg19) VCF-style: chr3-38751018-T-G.
Other names: c.4229A>C, p.Asn1410Thr (NM_001293306.2); c.3938A>C, p.Asn1313Thr (NM_001293307.2); short protein forms N1411T, N1410T, N1313T.
Identifiers: ClinVar variation 951529 (VCV000951529.6), dbSNP rs769359391, ClinGen allele CA352149709.

ClinVar aggregate classification (germline): Uncertain significance (1 of 4 stars; one submission).

Conditions:
Brugada syndrome. Also called: Sudden unexpected nocturnal death syndrome; Sudden Unexplained Death Syndrome; Sudden Unexplained Nocturnal Death Syndrome (SUNDS); Sudden unexplained nocturnal death syndrome. Identifiers: Orphanet 130, MedGen C1142166, MONDO:0015263.

Submission:

Labcorp Genetics (formerly Invitae), Labcorp
Classification: Uncertain significance for Brugada syndrome. Last evaluated: 2019-09-30. Review status: criteria provided, single submitter. Criteria: Invitae Variant Classification Sherloc (09022015). Collection method: clinical testing. Allele origin: germline.
Comment: In summary, the available evidence is currently insufficient to determine the role of this variant in disease. Therefore, it has been classified as a Variant of Uncertain Significance. Algorithms developed to predict the effect of missense changes on protein structure and function are either unavailable or do not agree on the potential impact of this missense change (SIFT: "Deleterious"; PolyPhen-2: "Probably Damaging"; Align-GVGD: "Class C0"). This variant has not been reported in the literature in individuals with SCN10A-related conditions. This variant is not present in population databases (ExAC no frequency). This sequence change replaces asparagine with threonine at codon 1411 of the SCN10A protein (p.Asn1411Thr). The asparagine residue is highly conserved and there is a small physicochemical difference between asparagine and threonine.